The following is an entry in ClinVar:

NM_001371928.1(AHDC1):c.3839_3847dup (p.Ala1282_Lys1283insSerSerAla)

Gene: AHDC1 (AT-hook DNA binding motif containing 1; minus strand). Cytogenetic location: 1p36.11.
Variant type: Duplication.
Coding change: c.3839_3847dup on transcript NM_001371928.1 (MANE Select); coding-DNA positions 3839 to 3847, 9 bases duplicated (GCTCAGCCA; older notation c.3839_3847dupGCTCAGCCA).
Protein change: p.Ala1282_Lys1283insSerSerAla.
Molecular consequence: inframe insertion.
Genome position (GRCh38, 1-based): chr1:27,548,269-27,548,277, TGGCTGAGC duplicated on the plus strand (GCTCAGCCA on the coding strand, the reverse complement: AHDC1 is on the minus strand). VCF-style (leftmost placement, unchanged base first): chr1-27548268-T-TTGGCTGAGC. GRCh37 (hg19) VCF-style: chr1-27874779-T-TTGGCTGAGC.
Other names: c.3839_3847dup, p.Ala1282_Lys1283insSerSerAla (NM_001029882.3); c.-205_-197dup (NM_015699.1).
Identifiers: ClinVar variation 2967008 (VCV002967008.2), dbSNP rs774617175, ClinGen allele CA715479.

ClinVar aggregate classification (germline): Uncertain significance (1 of 4 stars; one submission).

Allele frequency attached by ClinVar (database versions not stated): gnomAD 0.00001; gnomAD exomes 0.00002; ExAC 0.00003.

Submission:

Labcorp Genetics (formerly Invitae), Labcorp
Classification: Uncertain significance. Last evaluated: 2022-10-26. Review status: criteria provided, single submitter. Criteria: Invitae Variant Classification Sherloc (09022015). Collection method: clinical testing. Allele origin: germline.
Comment: This variant is present in population databases (rs774617175, gnomAD 0.03%). This variant, c.3839_3847dup, results in the insertion of 3 amino acid(s) of the AHDC1 protein (p.Ala1282_Lys1283insSerSerAla), but otherwise preserves the integrity of the reading frame. This variant has not been reported in the literature in individuals affected with AHDC1-related conditions. In summary, the available evidence is currently insufficient to determine the role of this variant in disease. Therefore, it has been classified as a Variant of Uncertain Significance.